The following is an entry in ClinVar:

NM_000435.3(NOTCH3):c.278G>A (p.Cys93Tyr)

Gene: NOTCH3 (notch receptor 3; minus strand). Cytogenetic location: 19p13.12.
Variant type: single nucleotide variant.
Coding change: c.278G>A on transcript NM_000435.3 (MANE Select); coding-DNA position 278, G replaced by A.
Protein change: p.Cys93Tyr; replaces cysteine 93 with tyrosine.
Molecular consequence: missense variant.
Genome position (GRCh38, 1-based): chr19:15,192,439, C>T on the plus strand (G>A on the coding strand, the complement: NOTCH3 is on the minus strand). VCF-style: chr19-15192439-C-T. GRCh37 (hg19) VCF-style: chr19-15303250-C-T.
Other names: p.Cys93Tyr; short protein forms C93Y.
Identifiers: ClinVar variation 1807362 (VCV001807362.3), dbSNP rs2145443364, ClinGen allele CA404534967.

ClinVar aggregate classification (germline): Pathogenic. Review status: criteria provided, multiple submitters, no conflicts (2 of 4 stars). 2 submissions from 2 submitters: Pathogenic (2). Last evaluated 2023-10-13.

Submissions (2):

Mayo Clinic Laboratories, Mayo Clinic
Classification: Pathogenic. Last evaluated: 2023-10-13. Review status: criteria provided, single submitter. Criteria: ACMG Guidelines, 2015. Collection method: clinical testing. Allele origin: germline. Observed: 1 variant allele.
Comment: PP2, PP3, PM1, PM2_moderate, PM5, PS4_moderate

Athena Diagnostics
Classification: Pathogenic. Last evaluated: 2023-08-31. Review status: criteria provided, single submitter. Criteria: Athena Diagnostics Criteria. Collection method: clinical testing. Allele origin: unknown.
Comment: This variant has not been reported in large, multi-ethnic general populations. This variant has been identified in at least one individual with clinical features associated with this gene. This variant alters a critical location within the protein, and is expected to severely affect function and cause disease. Greater than 90% of NOTCH3 pathogenic variants associated with CADASIL involve the gain or loss of a cysteine residue within the epidermal growth factor (EGF)-like repeat domain (PMID: 32457593, 20301673).

Literature cited by the submitters: PubMed 12146805 (cited by Mayo Clinic Laboratories, Mayo Clinic and Athena Diagnostics); PubMed 28991717 (cited by Mayo Clinic Laboratories, Mayo Clinic); PubMed 32277177 (cited by Mayo Clinic Laboratories, Mayo Clinic).